The following is an entry in ClinVar:

NM_003737.4(DCHS1):c.4454C>G (p.Ala1485Gly)

Gene: DCHS1 (dachsous cadherin-related 1; minus strand). Cytogenetic location: 11p15.4.
Variant type: single nucleotide variant.
Coding change: c.4454C>G on transcript NM_003737.4 (MANE Select); coding-DNA position 4454, C replaced by G.
Protein change: p.Ala1485Gly; replaces alanine 1485 with glycine.
Molecular consequence: missense variant.
Genome position (GRCh38, 1-based): chr11:6,630,340, G>C on the plus strand (C>G on the coding strand, the complement: DCHS1 is on the minus strand). VCF-style: chr11-6630340-G-C. GRCh37 (hg19) VCF-style: chr11-6651571-G-C.
Other names: short protein forms A1485G.
Identifiers: ClinVar variation 4806045 (VCV004806045.1).

ClinVar aggregate classification (germline): Uncertain significance (1 of 4 stars; one submission).

Submission:

Labcorp Genetics (formerly Invitae), Labcorp
Classification: Uncertain significance. Last evaluated: 2025-03-05. Review status: criteria provided, single submitter. Criteria: Invitae Variant Classification Sherloc (09022015). Collection method: clinical testing. Allele origin: germline.
Comment: This sequence change replaces alanine, which is neutral and non-polar, with glycine, which is neutral and non-polar, at codon 1485 of the DCHS1 protein (p.Ala1485Gly). This variant is not present in population databases (gnomAD no frequency). This variant has not been reported in the literature in individuals affected with DCHS1-related conditions. Invitae Evidence Modeling of protein sequence and biophysical properties (such as structural, functional, and spatial information, amino acid conservation, physicochemical variation, residue mobility, and thermodynamic stability) indicates that this missense variant is not expected to disrupt DCHS1 protein function with a negative predictive value of 80%. In summary, the available evidence is currently insufficient to determine the role of this variant in disease. Therefore, it has been classified as a Variant of Uncertain Significance.